The following is an entry in ClinVar:

NM_005732.4(RAD50):c.3193G>A (p.Asp1065Asn)

Gene: RAD50 (RAD50 double strand break repair protein; plus strand). Cytogenetic location: 5q31.1.
Variant type: single nucleotide variant.
Coding change: c.3193G>A on transcript NM_005732.4 (MANE Select); coding-DNA position 3193, G replaced by A.
Protein change: p.Asp1065Asn; replaces aspartic acid 1065 with asparagine.
Molecular consequence: missense variant.
Genome position (GRCh38, 1-based): chr5:132,618,098, G>A. VCF-style: chr5-132618098-G-A. GRCh37 (hg19) VCF-style: chr5-131953790-G-A.
Other names: short protein forms D1065N.
Identifiers: ClinVar variation 240234 (VCV000240234.17), dbSNP rs749322677, ClinGen allele CA3405539.

ClinVar aggregate classification (germline): Uncertain significance. Review status: criteria provided, multiple submitters, no conflicts (2 of 4 stars). 4 submissions from 4 submitters: Uncertain significance (4). Last evaluated 2025-06-07.

Conditions:
Hereditary cancer-predisposing syndrome. Also called: Neoplastic Syndromes, Hereditary; Hereditary neoplastic syndrome; Tumor predisposition; Hereditary Cancer Syndrome. Identifiers: Orphanet 140162, MedGen C0027672, MeSH D009386, MONDO:0015356.
Nijmegen breakage syndrome-like disorder (NBSLD). Also called: MICROCEPHALY AND SPONTANEOUS CHROMOSOME INSTABILITY WITHOUT IMMUNODEFICIENCY; NBS-LIKE DISORDER; RAD50 DEFICIENCY. Identifiers: Orphanet 240760, MedGen C2751318, MONDO:0013118, OMIM 613078.

Allele frequency attached by ClinVar (database versions not stated): gnomAD 0.00001; gnomAD exomes 0.00001; TOPMed 0.00001; ExAC 0.00002.
gnomAD v4.1: 8 of 1,613,296 alleles (0.0005%); highest among the groups gnomAD compares: East Asian, 0.0045%; no homozygotes.

Submissions (4):

Ambry Genetics
Classification: Uncertain significance for Hereditary cancer-predisposing syndrome. Last evaluated: 2025-06-07. Review status: criteria provided, single submitter. Criteria: Ambry Variant Classification Scheme 2023. Collection method: clinical testing. Allele origin: germline.
Comment: The p.D1065N variant (also known as c.3193G>A), located in coding exon 21 of the RAD50 gene, results from a G to A substitution at nucleotide position 3193. The aspartic acid at codon 1065 is replaced by asparagine, an amino acid with highly similar properties. This variant has been reported in a cohort of 81 male breast cancer patients who had multi-gene panel testing (Scarpitta R et al. Breast Cancer Res Treat, 2019 Dec;178:557-564). This amino acid position is poorly conserved in available vertebrate species. In addition, this alteration is predicted to be tolerated by in silico analysis. Since supporting evidence is limited at this time, the clinical significance of this alteration remains unclear.

Labcorp Genetics (formerly Invitae), Labcorp
Classification: Uncertain significance for Hereditary cancer-predisposing syndrome. Last evaluated: 2023-10-24. Review status: criteria provided, single submitter. Criteria: Invitae Variant Classification Sherloc (09022015). Collection method: clinical testing. Allele origin: germline.
Comment: This sequence change replaces aspartic acid, which is acidic and polar, with asparagine, which is neutral and polar, at codon 1065 of the RAD50 protein (p.Asp1065Asn). This variant is present in population databases (rs749322677, gnomAD 0.003%). This variant has not been reported in the literature in individuals affected with RAD50-related conditions. ClinVar contains an entry for this variant (Variation ID: 240234). Advanced modeling of protein sequence and biophysical properties (such as structural, functional, and spatial information, amino acid conservation, physicochemical variation, residue mobility, and thermodynamic stability) performed at Invitae indicates that this missense variant is not expected to disrupt RAD50 protein function with a negative predictive value of 80%. In summary, the available evidence is currently insufficient to determine the role of this variant in disease. Therefore, it has been classified as a Variant of Uncertain Significance.

Baylor Genetics
Classification: Uncertain significance for Nijmegen breakage syndrome-like disorder. Last evaluated: 2023-08-06. Review status: criteria provided, single submitter. Criteria: ACMG Guidelines, 2015. Collection method: clinical testing. Allele origin: unknown.

Quest Diagnostics Nichols Institute San Juan Capistrano
Classification: Uncertain significance. Last evaluated: 2021-08-03. Review status: criteria provided, single submitter. Criteria: Quest Diagnostics criteria. Collection method: clinical testing. Allele origin: unknown.

Literature cited by the submitters: PubMed 31512090 (cited by Ambry Genetics).